The following is an entry in ClinVar:

ClinVar aggregate classification (germline): Uncertain significance (1 of 4 stars; one submission).

Allele frequency attached by ClinVar (database versions not stated): gnomAD 0.00001 and 0.00002; ExAC 0.00002; TOPMed 0.00002; gnomAD exomes 0.00003.
gnomAD v4.1: 43 of 1,614,164 alleles (0.0027%); highest among the groups gnomAD compares: South Asian, 0.0055%; no homozygotes.

Submission:

Labcorp Genetics (formerly Invitae), Labcorp
Classification: Uncertain significance. Last evaluated: 2025-10-21. Review status: criteria provided, single submitter. Criteria: Invitae Variant Classification Sherloc (09022015). Collection method: clinical testing. Allele origin: germline.
Comment: This sequence change replaces arginine, which is basic and polar, with glutamine, which is neutral and polar, at codon 90 of the VAV1 protein (p.Arg90Gln). This variant is present in population databases (rs767189353, gnomAD 0.006%). This variant has not been reported in the literature in individuals affected with VAV1-related conditions. ClinVar contains an entry for this variant (Variation ID: 1448119). An algorithm developed to predict the effect of missense changes on protein structure and function (PolyPhen-2) suggests that this variant is likely to be disruptive. In summary, the available evidence is currently insufficient to determine the role of this variant in disease. Therefore, it has been classified as a Variant of Uncertain Significance.

NM_005428.4(VAV1):c.269G>A (p.Arg90Gln)

Gene: VAV1 (vav guanine nucleotide exchange factor 1; plus strand). Cytogenetic location: 19p13.3.
Variant type: single nucleotide variant.
Coding change: c.269G>A on transcript NM_005428.4 (MANE Select); coding-DNA position 269, G replaced by A.
Protein change: p.Arg90Gln; replaces arginine 90 with glutamine.
Molecular consequence: missense variant.
Genome position (GRCh38, 1-based): chr19:6,820,766, G>A. VCF-style: chr19-6820766-G-A. GRCh37 (hg19) VCF-style: chr19-6820777-G-A.
Other names: c.269G>A, p.Arg90Gln (NM_001258206.2, NM_001258207.2); short protein forms R90Q.
Identifiers: ClinVar variation 1448119 (VCV001448119.6), dbSNP rs767189353, ClinGen allele CA9132162.